The following is an entry in ClinVar:

ClinVar aggregate classification (germline): Benign. Review status: criteria provided, multiple submitters, no conflicts (2 of 4 stars). 3 submissions from 2 submitters: Benign (3). Last evaluated 2018-01-12.

Conditions:
Histiocytic medullary reticulosis. Also called: SEVERE COMBINED IMMUNODEFICIENCY WITH HYPEREOSINOPHILIA; Omenn syndrome. Identifiers: Orphanet 39041, MedGen C2700553, MONDO:0011338, OMIM 603554.
Severe combined immunodeficiency, autosomal recessive, T cell-negative, B cell-negative, NK cell-positive. Also called: SCID, T CELL-NEGATIVE, B CELL-NEGATIVE, NK CELL-POSITIVE; SCID, AR, T-cell negative, B-cell negative, NK cell-positive; Severe combined immunodeficiency due to complete RAG1/2 deficiency. Identifiers: Orphanet 331206, MedGen C1832322, MONDO:0011086, OMIM 601457.

Allele frequency attached by ClinVar (database versions not stated): gnomAD exomes 0.28528; gnomAD 0.48229 and 0.48340; TOPMed 0.51670; 1000 Genomes Project 30x 0.61134; 1000 Genomes Project 0.61262.

Submissions (3):

Illumina Laboratory Services, Illumina
Classification: Benign for Severe combined immunodeficiency, autosomal recessive, T cell-negative, B cell-negative, NK cell-positive. Last evaluated: 2018-01-12. Review status: criteria provided, single submitter. Criteria: ICSL Variant Classification Criteria 13 December 2019. Collection method: clinical testing. Allele origin: germline.
Comment: This variant was observed in the ICSL laboratory as part of a predisposition screen in an ostensibly healthy population. It had not been previously curated by ICSL or reported in the Human Gene Mutation Database (HGMD: prior to June 1st, 2018), and was therefore a candidate for classification through an automated scoring system. Utilizing variant allele frequency, disease prevalence and penetrance estimates, and inheritance mode, an automated score was calculated to assess if this variant is too frequent to cause the disease. Based on the score and internal cut-off values, a variant classified as benign is not then subjected to further curation. The score for this variant resulted in a classification of benign for this disease.

Illumina Laboratory Services, Illumina
Classification: Benign for Histiocytic medullary reticulosis. Last evaluated: 2018-01-12. Review status: criteria provided, single submitter. Criteria: ICSL Variant Classification Criteria 13 December 2019. Collection method: clinical testing. Allele origin: germline.
Comment: the same text as in the submission from Illumina Laboratory Services, Illumina above.

Breakthrough Genomics
Classification: Benign. Review status: criteria provided, single submitter. Criteria: ACMG Guidelines, 2015. Collection method: not provided. Allele origin: germline. Inheritance: Autosomal recessive inheritance. Affected: yes.

NM_000448.3(RAG1):c.*3184G>A

Gene: RAG1 (recombination activating 1; plus strand). Cytogenetic location: 11p12.
Variant type: single nucleotide variant.
Coding change: c.*3184G>A on transcript NM_000448.3 (MANE Select); 3184 bases downstream of the stop codon, G replaced by A.
Molecular consequence: 3 prime UTR variant.
Genome position (GRCh38, 1-based): chr11:36,579,620, G>A. VCF-style: chr11-36579620-G-A. GRCh37 (hg19) VCF-style: chr11-36601170-G-A.
Other names: c.*3184G>A (NM_001377277.1, NM_001377278.1, NM_001377279.1 and 1 more transcripts).
Identifiers: ClinVar variation 304540 (VCV000304540.6), dbSNP rs1056403, ClinGen allele CA10639024.
Genomic context (GRCh38, chr11:36,579,620, plus strand): 5'-TATTTCAGAGAAAATTCAGGTACCAGGATGCAATGGATTTATTTGATTCAGGGGACCTGT[G>A]TTTCCATGTCAAATGTTTTCAAATAAAATGAAATATGAGTTTCAATACTTTTTATATTTT-3'